The following is an entry in ClinVar:

NM_003742.4(ABCB11):c.477+1G>C

Gene: ABCB11 (ATP binding cassette subfamily B member 11; minus strand). Cytogenetic location: 2q31.1.
Variant type: single nucleotide variant.
Coding change: c.477+1G>C on transcript NM_003742.4 (MANE Select); the canonical splice donor site of the intron after coding-DNA position 477, G replaced by C.
Molecular consequence: splice donor variant.
Genome position (GRCh38, 1-based): chr2:168,996,634, C>G on the plus strand (G>C on the coding strand, the complement: ABCB11 is on the minus strand). VCF-style: chr2-168996634-C-G. GRCh37 (hg19) VCF-style: chr2-169853144-C-G.
Identifiers: ClinVar variation 4815281 (VCV004815281.1).

ClinVar aggregate classification (germline): Likely pathogenic (1 of 4 stars; one submission).

Conditions:
Progressive familial intrahepatic cholestasis type 2. Identifiers: Orphanet 79304, MedGen C3489789, MONDO:0011156, OMIM 601847.

gnomAD v4.1: 1 of 1,499,758 alleles (0.000067%); highest among the groups gnomAD compares: African/African-American, 0.0014%; no homozygotes.

Submission:

Natera, Inc.
Classification: Likely pathogenic for Progressive familial intrahepatic cholestasis type 2. Last evaluated: 2025-11-26. Review status: criteria provided, single submitter. Criteria: Natera Variant Classification Schema (03/2026). Collection method: clinical testing. Allele origin: germline.
Comment: The c.477+1G>C variant in ABCB11 is a canonical splice donor site variant predicted to affect pre-mRNA splicing, which may result in an abnormal transcript and altered protein product. This variant is expected to result in nonsense mediated decay, truncation, or a dysfunctional protein product. This variant is rare in the general population with a frequency below the threshold expected for the associated phenotype(s). Given the available evidence, this variant is classified as Likely Pathogenic.